The following is an entry in ClinVar:

NM_014423.4(AFF4):c.2721C>A (p.Val907=)

Gene: AFF4 (ALF transcription elongation factor 4; minus strand). Cytogenetic location: 5q31.1.
Variant type: single nucleotide variant.
Coding change: c.2721C>A on transcript NM_014423.4 (MANE Select); coding-DNA position 2721, C replaced by A.
Protein change: p.Val907=; no amino-acid change (valine 907 retained).
Molecular consequence: synonymous variant.
Genome position (GRCh38, 1-based): chr5:132,889,090, G>T on the plus strand (C>A on the coding strand, the complement: AFF4 is on the minus strand). VCF-style: chr5-132889090-G-T. GRCh37 (hg19) VCF-style: chr5-132224782-G-T.
Other names: c.2721C>A (NM_014423.3).
Identifiers: ClinVar variation 2738056 (VCV002738056.4), dbSNP rs368081375, ClinGen allele CA3408846.
Genomic context (GRCh38, chr5:132,889,090, plus strand): 5'-GACTGGAATCATTTCTTAAATACAGATACAAAAAATCATATTATCTCACCTGTCATCAAA[G>T]ACAAGCTTTGTTCTCCGAGGCTTAGAAGAATCAAGAGTTGGTGCAGATGGAGGACAGTTA-3'
Protein context (NP_055238.1, residues 897-917): DSSKPRRTKL[Val907=]FDDRNYSADH

ClinVar aggregate classification (germline): Likely benign. Review status: criteria provided, multiple submitters, no conflicts (2 of 4 stars). 2 submissions from 2 submitters: Likely benign (2). Last evaluated 2026-01-02.

Conditions:
AFF4-related disorder. Also called: AFF4-related condition.
Cognitive impairment - coarse facies - heart defects - obesity - pulmonary involvement - short stature - skeletal dysplasia syndrome. Also called: AFF4-Related CHOPS Syndrome; Chops syndrome; COGNITIVE IMPAIRMENT, COARSE FACIES, HEART DEFECTS, OBESITY, PULMONARY INVOLVEMENT, SHORT STATURE, AND SKELETAL DYSPLASIA. Identifiers: Orphanet 444077, MedGen C4085597, MONDO:0014609, OMIM 616368.

Allele frequency attached by ClinVar (database versions not stated): ESP Exome Variant Server 0.00008; gnomAD 0.00008; ExAC 0.00012; TOPMed 0.00019.

Submissions (2):

Labcorp Genetics (formerly Invitae), Labcorp
Classification: Likely benign for Cognitive impairment - coarse facies - heart defects - obesity - pulmonary involvement - short stature - skeletal dysplasia syndrome. Last evaluated: 2026-01-02. Review status: criteria provided, single submitter. Criteria: Invitae Variant Classification Sherloc (09022015). Collection method: clinical testing. Allele origin: germline.

PreventionGenetics, part of Exact Sciences
Classification: Likely benign for AFF4-related condition. Last evaluated: 2024-11-20. Review status: criteria provided, single submitter. Criteria: ACMG Guidelines, 2015. Collection method: clinical testing. Allele origin: germline.
Comment: This variant is classified as likely benign based on ACMG/AMP sequence variant interpretation guidelines (Richards et al. 2015 PMID: 25741868, with internal and published modifications).